The following is an entry in ClinVar:

NM_001035.3(RYR2):c.13G>T (p.Gly5Cys)

Gene: RYR2 (ryanodine receptor 2; plus strand). Cytogenetic location: 1q43.
Variant type: single nucleotide variant.
Coding change: c.13G>T on transcript NM_001035.3 (MANE Select); coding-DNA position 13, G replaced by T.
Protein change: p.Gly5Cys; replaces glycine 5 with cysteine.
Molecular consequence: missense variant.
Genome position (GRCh38, 1-based): chr1:237,042,534, G>T. VCF-style: chr1-237042534-G-T. GRCh37 (hg19) VCF-style: chr1-237205834-G-T.
Other names: c.13G>T (NM_001035.2); short protein forms G5C.
Identifiers: ClinVar variation 1332057 (VCV001332057.7), dbSNP rs2148061465, ClinGen allele CA345654163.
Genomic context (GRCh38, chr1:237,042,534, plus strand): 5'-GAGCTCCGCGGGGCTCGGGAGCCGGCCCCGGCGAGGAGGCGCGGAACCATGGCCGATGGG[G>T]GCGAGGGCGAAGACGAGATCCAGTTCCTGCGAACTGTAAGCGCCGTGCGTCGCGTGTGCT-3'
Protein context (NP_001026.2, residues 1-15): MADG[Gly5Cys]EGEDEIQFLR

ClinVar aggregate classification (germline): Uncertain significance. Review status: criteria provided, multiple submitters, no conflicts (2 of 4 stars). 3 submissions from 3 submitters: Uncertain significance (3). Last evaluated 2024-03-07.

Conditions:
Cardiovascular phenotype. Identifiers: MedGen CN230736.
Catecholaminergic polymorphic ventricular tachycardia 1. Also called: VENTRICULAR TACHYCARDIA, CATECHOLAMINERGIC POLYMORPHIC, 1, WITH OR WITHOUT ATRIAL DYSFUNCTION AND/OR DILATED CARDIOMYOPATHY; VENTRICULAR TACHYCARDIA, STRESS-INDUCED POLYMORPHIC 1; RYR2-Related Catecholaminergic Polymorphic Ventricular Tachycardia. Identifiers: Orphanet 3286, MedGen C1631597, MONDO:0011484, OMIM 604772.
Cardiomyopathy (CMYO). Also called: Cardiomyopathies. Identifiers: Orphanet 167848, MedGen C0878544, MONDO:0004994, HP:0001638. Inheritance: Various modes of inheritance.

Submissions (3):

Color Diagnostics, LLC DBA Color Health
Classification: Uncertain significance for Cardiomyopathy. Last evaluated: 2024-03-07. Review status: criteria provided, single submitter. Criteria: ACMG Guidelines, 2015. Collection method: clinical testing. Allele origin: germline.
Comment: This missense variant replaces glycine with cysteine at codon 5 of the RYR2 protein. Computational prediction is inconclusive regarding the impact of this variant on protein structure and function (internally defined REVEL score threshold 0.5 < inconclusive < 0.7, PMID: 27666373). To our knowledge, functional studies have not been reported for this variant. This variant has not been reported in individuals affected with cardiovascular disorders in the literature. This variant has not been identified in the general population by the Genome Aggregation Database (gnomAD). The available evidence is insufficient to determine the role of this variant in disease conclusively. Therefore, this variant is classified as a Variant of Uncertain Significance.

Labcorp Genetics (formerly Invitae), Labcorp
Classification: Uncertain significance for Catecholaminergic polymorphic ventricular tachycardia 1. Last evaluated: 2024-02-23. Review status: criteria provided, single submitter. Criteria: Invitae Variant Classification Sherloc (09022015). Collection method: clinical testing. Allele origin: germline.
Comment: This sequence change replaces glycine, which is neutral and non-polar, with cysteine, which is neutral and slightly polar, at codon 5 of the RYR2 protein (p.Gly5Cys). This variant is not present in population databases (gnomAD no frequency). This variant has not been reported in the literature in individuals affected with RYR2-related conditions. ClinVar contains an entry for this variant (Variation ID: 1332057). Advanced modeling of protein sequence and biophysical properties (such as structural, functional, and spatial information, amino acid conservation, physicochemical variation, residue mobility, and thermodynamic stability) performed at Invitae indicates that this missense variant is expected to disrupt RYR2 protein function with a positive predictive value of 95%. In summary, the available evidence is currently insufficient to determine the role of this variant in disease. Therefore, it has been classified as a Variant of Uncertain Significance.

Ambry Genetics
Classification: Uncertain significance for Cardiovascular phenotype. Last evaluated: 2022-06-24. Review status: criteria provided, single submitter. Criteria: Ambry Variant Classification Scheme 2023. Collection method: clinical testing. Allele origin: germline.
Comment: The p.G5C variant (also known as c.13G>T), located in coding exon 1 of the RYR2 gene, results from a G to T substitution at nucleotide position 13. The glycine at codon 5 is replaced by cysteine, an amino acid with highly dissimilar properties. This amino acid position is highly conserved in available vertebrate species. In addition, the in silico prediction for this alteration is inconclusive. Since supporting evidence is limited at this time, the clinical significance of this alteration remains unclear.